The following is an entry in ClinVar:

NM_000093.5(COL5A1):c.137T>C (p.Leu46Pro)

Gene: COL5A1 (collagen type V alpha 1 chain; plus strand). Cytogenetic location: 9q34.3.
Variant type: single nucleotide variant.
Coding change: c.137T>C on transcript NM_000093.5 (MANE Select); coding-DNA position 137, T replaced by C.
Protein change: p.Leu46Pro; replaces leucine 46 with proline.
Molecular consequence: missense variant.
Genome position (GRCh38, 1-based): chr9:134,690,939, T>C. VCF-style: chr9-134690939-T-C. GRCh37 (hg19) VCF-style: chr9-137582785-T-C.
Other names: c.137T>C, p.Leu46Pro (NM_001278074.1); short protein forms L46P.
Identifiers: ClinVar variation 3906010 (VCV003906010.10).
Genomic context (GRCh38, chr9:134,690,939, plus strand): 5'-GTGGCTAACTCTGCTCCTCCTCTGTCATTTCAGCTCAGCCAGCAGATCTCCTGAAGGTTC[T>C]AGATTTTCACAACTTGCCTGATGGAATAACAAAGACAACAGGCTTTTGCGCCACGCGGCG-3'
Protein context (NP_000084.3, residues 36-56): AAQPADLLKV[Leu46Pro]DFHNLPDGIT

ClinVar aggregate classification (germline): Uncertain significance (1 of 4 stars; one submission).

Submission:

CeGaT Center for Human Genetics Tuebingen
Classification: Uncertain significance. Last evaluated: 2025-06-01. Review status: criteria provided, single submitter. Criteria: CeGaT Center For Human Genetics Tuebingen Variant Classification Criteria Version 2. Collection method: clinical testing. Allele origin: germline. Affected: yes. Observed: 1 variant allele.
Comment: COL5A1: PM2